The following is an entry in ClinVar:

ClinVar aggregate classification (germline): Uncertain significance (1 of 4 stars; one submission).

Allele frequency attached by ClinVar (database versions not stated): ExAC 0.00001; gnomAD exomes 0.00001; TOPMed 0.00001; gnomAD 0.00002.
gnomAD v4.1: 20 of 1,612,036 alleles (0.0012%); highest among the groups gnomAD compares: Non-Finnish European, 0.0016%; no homozygotes.

Submission:

Ambry Genetics
Classification: Uncertain significance. Last evaluated: 2023-09-04. Review status: criteria provided, single submitter. Criteria: Ambry Variant Classification Scheme 2023. Collection method: clinical testing. Allele origin: germline.
Comment: The p.P1722S variant (also known as c.5164C>T), located in coding exon 16 of the POLQ gene, results from a C to T substitution at nucleotide position 5164. The proline at codon 1722 is replaced by serine, an amino acid with similar properties. This amino acid position is conserved. In addition, this alteration is predicted to be tolerated by in silico analysis. Since supporting evidence is limited at this time, the clinical significance of this alteration remains unclear.

NM_199420.4(POLQ):c.5164C>T (p.Pro1722Ser)

Gene: POLQ (DNA polymerase theta; minus strand). Cytogenetic location: 3q13.33.
Variant type: single nucleotide variant.
Coding change: c.5164C>T on transcript NM_199420.4 (MANE Select); coding-DNA position 5164, C replaced by T.
Protein change: p.Pro1722Ser; replaces proline 1722 with serine.
Molecular consequence: missense variant.
Genome position (GRCh38, 1-based): chr3:121,487,767, G>A on the plus strand (C>T on the coding strand, the complement: POLQ is on the minus strand). VCF-style: chr3-121487767-G-A. GRCh37 (hg19) VCF-style: chr3-121206614-G-A.
Other names: short protein forms P1722S.
Identifiers: ClinVar variation 1745743 (VCV001745743.3), dbSNP rs765844306, ClinGen allele CA2562779.
Genomic context (GRCh38, chr3:121,487,767, plus strand): 5'-TTGGAATGGGTGTAGGAGGAATGAGACCATTATCATCAACTATATTACTTTCTTTACGAG[G>A]TAAGAGGGATGAGGTTTCATCATGATTGGCATTGTTTTCTAGCATCTCAATCTTGCTTTT-3'
Protein context (NP_955452.3, residues 1712-1732): ANHDETSSLL[Pro1722Ser]RKESNIVDDN